The following is an entry in ClinVar:

ClinVar aggregate classification (germline): Likely benign. Review status: criteria provided, multiple submitters, no conflicts (2 of 4 stars). 2 submissions from 2 submitters: Likely benign (2). Last evaluated 2025-09-08.

Allele frequency attached by ClinVar (database versions not stated): TOPMed below 0.00001; ExAC 0.00001; gnomAD 0.00001; gnomAD exomes 0.00001.
gnomAD v4.1: 6 of 1,611,876 alleles (0.00037%); highest among the groups gnomAD compares: Admixed American, 0.01%; no homozygotes.

Submissions (2):

Labcorp Genetics (formerly Invitae), Labcorp
Classification: Likely benign. Last evaluated: 2025-09-08. Review status: criteria provided, single submitter. Criteria: Invitae Variant Classification Sherloc (09022015). Collection method: clinical testing. Allele origin: germline.

Laboratory for Molecular Medicine, Mass General Brigham Personalized Medicine
Classification: Likely benign. Last evaluated: 2016-12-08. Review status: criteria provided, single submitter. Criteria: LMM Criteria. Collection method: clinical testing. Allele origin: germline. Observed: 1 variant allele.
Comment: c.2094+8G>A in intron 17 of MYO7A : This variant is not expected to have clinica l significance because it is not located within the splice consensus sequence. I t has been identified in 1/11464 of Latino chromosomes by the Exome Aggregation Consortium (ExAC; dbSNP rs781886473).

NM_000260.4(MYO7A):c.2094+8G>A

Gene: MYO7A (myosin VIIA; plus strand). Cytogenetic location: 11q13.5.
Variant type: single nucleotide variant.
Coding change: c.2094+8G>A on transcript NM_000260.4 (MANE Select); 8 bases into the intron after coding-DNA position 2094, G replaced by A.
Molecular consequence: intron variant.
Genome position (GRCh38, 1-based): chr11:77,174,922, G>A. VCF-style: chr11-77174922-G-A. GRCh37 (hg19) VCF-style: chr11-76885968-G-A.
Other names: c.2061+8G>A (NM_001369365.1); c.2094+8G>A (NM_001127180.2).
Identifiers: ClinVar variation 505470 (VCV000505470.13), dbSNP rs781886473, ClinGen allele CA6197684.